The following is an entry in ClinVar:

ClinVar aggregate classification (germline): Pathogenic (1 of 4 stars; one submission).

Conditions:
Kabuki syndrome 2 (KABUK2). Also called: KDM6A-Related Kabuki Syndrome. Identifiers: Orphanet 2322, MedGen C3275495, MONDO:0010465, OMIM 300867.

Submission:

Labcorp Genetics (formerly Invitae), Labcorp
Classification: Pathogenic for Kabuki syndrome 2. Last evaluated: 2023-10-03. Review status: criteria provided, single submitter. Criteria: Invitae Variant Classification Sherloc (09022015). Collection method: clinical testing. Allele origin: germline.
Comment: This sequence change creates a premature translational stop signal (p.Gln461*) in the KDM6A gene. It is expected to result in an absent or disrupted protein product. Loss-of-function variants in KDM6A are known to be pathogenic (PMID: 23076834, 23913813). This variant is not present in population databases (gnomAD no frequency). This variant has not been reported in the literature in individuals affected with KDM6A-related conditions. ClinVar contains an entry for this variant (Variation ID: 2091420). For these reasons, this variant has been classified as Pathogenic.

Literature cited by the submitters: PubMed 23076834; PubMed 23913813.

NM_001291415.2(KDM6A):c.1537C>T (p.Gln513Ter)

Gene: KDM6A (lysine demethylase 6A; plus strand). Cytogenetic location: Xp11.3.
Variant type: single nucleotide variant.
Coding change: c.1537C>T on transcript NM_001291415.2 (MANE Select); coding-DNA position 1537, C replaced by T.
Protein change: p.Gln513Ter; replaces glutamine 513 with a stop codon.
Molecular consequence: nonsense. On other transcripts: non-coding transcript variant (1).
Genome position (GRCh38, 1-based): chrX:45,061,375, C>T. VCF-style: chrX-45061375-C-T. GRCh37 (hg19) VCF-style: chrX-44920620-C-T.
Other names: c.1402C>T, p.Gln468Ter (NM_001291416.2); c.1246C>T, p.Gln416Ter (NM_001291417.2, NM_001291418.2); c.493C>T, p.Gln165Ter (NM_001291421.2); c.1381C>T, p.Gln461Ter (NM_001410742.1, NM_021140.4); short protein forms Q416*, Q461*, Q165*, Q468*, Q513*.
Identifiers: ClinVar variation 2091420 (VCV002091420.4), dbSNP rs2147975941, ClinGen allele CA412785011.